The following is an entry in ClinVar:

ClinVar aggregate classification (germline): Uncertain significance (1 of 4 stars; one submission).

Conditions:
Lethal congenital glycogen storage disease of heart. Also called: GLYCOGEN STORAGE DISEASE OF HEART; PHOSPHORYLASE KINASE DEFICIENCY OF HEART. Identifiers: Orphanet 439854, MedGen C1849813, MONDO:0009867, OMIM 261740.

Submission:

Labcorp Genetics (formerly Invitae), Labcorp
Classification: Uncertain significance for Lethal congenital glycogen storage disease of heart. Last evaluated: 2024-01-28. Review status: criteria provided, single submitter. Criteria: Invitae Variant Classification Sherloc (09022015). Collection method: clinical testing. Allele origin: germline.
Comment: This sequence change falls in intron 14 of the PRKAG2 gene. It does not directly change the encoded amino acid sequence of the PRKAG2 protein. It affects a nucleotide within the consensus splice site. This variant is not present in population databases (gnomAD no frequency). This variant has not been reported in the literature in individuals affected with PRKAG2-related conditions. Variants that disrupt the consensus splice site are a relatively common cause of aberrant splicing (PMID: 17576681, 9536098). Algorithms developed to predict the effect of sequence changes on RNA splicing suggest that this variant is not likely to affect RNA splicing. In summary, the available evidence is currently insufficient to determine the role of this variant in disease. Therefore, it has been classified as a Variant of Uncertain Significance.

Literature cited by the submitters: PubMed 17576681; PubMed 9536098.

NM_016203.4(PRKAG2):c.1584+3G>A

Gene: PRKAG2 (protein kinase AMP-activated non-catalytic subunit gamma 2; minus strand). Cytogenetic location: 7q36.1.
Variant type: single nucleotide variant.
Coding change: c.1584+3G>A on transcript NM_016203.4 (MANE Select); 3 bases into the intron after coding-DNA position 1584, G replaced by A.
Molecular consequence: intron variant.
Genome position (GRCh38, 1-based): chr7:151,564,075, C>T on the plus strand (G>A on the coding strand, the complement: PRKAG2 is on the minus strand). VCF-style: chr7-151564075-C-T. GRCh37 (hg19) VCF-style: chr7-151261161-C-T.
Other names: c.1293+3G>A (NM_001407031.1); c.1296+3G>A (NM_001407030.1); c.1581+3G>A (NM_001407023.1, NM_001407022.1); c.1584+3G>A (NM_001407021.1); c.1266+3G>A (NM_001407032.1); c.1449+3G>A (NM_001407026.1, NM_001407027.1); c.1452+3G>A (NM_001040633.2, NM_001407024.1); c.1260+3G>A (NM_001407033.1); and 6 more.
Identifiers: ClinVar variation 2751699 (VCV002751699.3), dbSNP rs2536274557, ClinGen allele CA2697549704.